The following is an entry in ClinVar:

NM_001048174.2(MUTYH):c.1003A>C (p.Ser335Arg)

Gene: MUTYH (mutY DNA glycosylase; minus strand). Cytogenetic location: 1p34.1.
Variant type: single nucleotide variant.
Coding change: c.1003A>C on transcript NM_001048174.2 (MANE Select); coding-DNA position 1003, A replaced by C.
Protein change: p.Ser335Arg; replaces serine 335 with arginine.
Molecular consequence: missense variant. On other transcripts: non-coding transcript variant (7).
Genome position (GRCh38, 1-based): chr1:45,331,760, T>G on the plus strand (A>C on the coding strand, the complement: MUTYH is on the minus strand). VCF-style: chr1-45331760-T-G. GRCh37 (hg19) VCF-style: chr1-45797432-T-G.
Other names: c.1036A>C, p.Ser346Arg (NM_001293191.2, NM_001407069.1, NM_001407077.1); c.727A>C, p.Ser243Arg (NM_001293192.2, NM_001293196.2, NM_001407091.1); c.1003A>C, p.Ser335Arg (NM_001293195.2, NM_001407070.1, NM_001407088.1 and 6 more transcripts); c.658A>C, p.Ser220Arg (NM_001350650.2, NM_001350651.2, NM_001407082.1); c.1006A>C, p.Ser336Arg (NM_001407071.1, NM_001407086.1, NM_001048172.2 and 1 more transcripts); c.1045A>C, p.Ser349Arg (NM_001407085.1, NM_001407083.1); c.1024A>C, p.Ser342Arg (NM_001407087.1); c.1078A>C, p.Ser360Arg (NM_012222.3); and 5 more; short protein forms S335R, S350R, S220R, S349R, S322R, S336R, S342R, S346R.
Identifiers: ClinVar variation 4113000 (VCV004113000.1).

ClinVar aggregate classification (germline): Uncertain significance (1 of 4 stars; one submission).

Conditions:
Hereditary cancer-predisposing syndrome. Also called: Tumor predisposition; Neoplastic Syndromes, Hereditary; Hereditary neoplastic syndrome; Hereditary Cancer Syndrome. Identifiers: Orphanet 140162, MedGen C0027672, MeSH D009386, MONDO:0015356.

Submission:

Ambry Genetics
Classification: Uncertain significance for Hereditary cancer-predisposing syndrome. Last evaluated: 2025-08-27. Review status: criteria provided, single submitter. Criteria: Ambry Variant Classification Scheme 2023. Collection method: clinical testing. Allele origin: germline.
Comment: The p.S363R variant (also known as c.1087A>C), located in coding exon 12 of the MUTYH gene, results from an A to C substitution at nucleotide position 1087. The serine at codon 363 is replaced by arginine, an amino acid with dissimilar properties. This amino acid position is conserved. In addition, this alteration is predicted to be tolerated by in silico analysis. Based on the available evidence, the clinical significance of this variant remains unclear.